The following is an entry in ClinVar:

ClinVar aggregate classification (germline): Uncertain significance. Review status: criteria provided, multiple submitters, no conflicts (2 of 4 stars). 2 submissions from 2 submitters: Uncertain significance (2). Last evaluated 2026-02-25.

Conditions:
Hereditary cancer-predisposing syndrome. Also called: Tumor predisposition; Hereditary Cancer Syndrome; Hereditary neoplastic syndrome; Neoplastic Syndromes, Hereditary. Identifiers: Orphanet 140162, MedGen C0027672, MeSH D009386, MONDO:0015356.

Submissions (2):

Ambry Genetics
Classification: Uncertain significance for Hereditary cancer-predisposing syndrome. Last evaluated: 2026-02-25. Review status: criteria provided, single submitter. Criteria: Ambry Variant Classification Scheme 2023. Collection method: clinical testing. Allele origin: germline.
Comment: The p.P1469L variant (also known as c.4406C>T), located in coding exon 12 of the BRCA1 gene, results from a C to T substitution at nucleotide position 4406. The proline at codon 1469 is replaced by leucine, an amino acid with similar properties. This amino acid position is not well conserved in available vertebrate species. In addition, the in silico prediction for this alteration is inconclusive. Based on the available evidence, the clinical significance of this variant remains unclear.

Sema4
Classification: Uncertain significance for Hereditary cancer-predisposing syndrome. Last evaluated: 2021-04-27. Review status: criteria provided, single submitter. Criteria: Sema4 Curation Guidelines. Collection method: curation. Allele origin: germline.
Comment: The BRCA1 c.4406C>T (p.P1469L) variant has not been reported in the literature to our knowledge. It was not observed in the large and broad cohorts of the Genome Aggregation Database. The variant has not been reported in ClinVar. Computational analyses and evolutionary conservation data do not provide strong support for or against an impact on the protein, however, these predictions have not been confirmed by published functional studies. The evidence is insufficient to meet ACMG/AMP criteria for classifying the variant as benign or pathogenic. Thus, the clinical significance of this variant is currently uncertain.

NM_007294.4(BRCA1):c.4406C>T (p.Pro1469Leu)

Gene: BRCA1 (BRCA1 DNA repair associated; minus strand). Cytogenetic location: 17q21.31.
Variant type: single nucleotide variant.
Coding change: c.4406C>T on transcript NM_007294.4 (MANE Select); coding-DNA position 4406, C replaced by T.
Protein change: p.Pro1469Leu; replaces proline 1469 with leucine.
Molecular consequence: missense variant. On other transcripts: non-coding transcript variant (1).
Genome position (GRCh38, 1-based): chr17:43,076,566, G>A on the plus strand (C>T on the coding strand, the complement: BRCA1 is on the minus strand). VCF-style: chr17-43076566-G-A. GRCh37 (hg19) VCF-style: chr17-41228583-G-A.
Other names: c.4193C>T, p.Pro1398Leu (NM_001407571.1, NM_001407896.1, NM_001407897.1 and 12 more transcripts); c.4472C>T, p.Pro1491Leu (NM_001407581.1, NM_001407582.1); c.4469C>T, p.Pro1490Leu (NM_001407583.1, NM_001407585.1, NM_001407587.1 and 1 more transcripts); c.4466C>T, p.Pro1489Leu (NM_001407590.1, NM_001407591.1); c.4406C>T, p.Pro1469Leu (NM_001407593.1, NM_001407594.1, NM_001407596.1 and 8 more transcripts); c.4403C>T, p.Pro1468Leu (NM_001407610.1, NM_001407611.1, NM_001407612.1 and 17 more transcripts); c.4400C>T, p.Pro1467Leu (NM_001407627.1, NM_001407628.1, NM_001407629.1 and 14 more transcripts); c.4397C>T, p.Pro1466Leu (NM_001407645.1, NM_001407644.1); and 68 more; short protein forms P1422L, P1469L, P1490L, P365L, P1399L, P1402L, P1421L, P1426L.
Identifiers: ClinVar variation 1692971 (VCV001692971.2), dbSNP rs2052734184, ClinGen allele CA10592721.